The following is an entry in ClinVar:

ClinVar aggregate classification (germline): Conflicting classifications of pathogenicity. Review status: criteria provided, conflicting classifications (1 of 4 stars). 4 submissions from 4 submitters: Uncertain significance (3); Likely benign (1). Last evaluated 2026-09-17.

Conditions:
Inborn genetic diseases. Identifiers: MedGen C0950123, MeSH D030342.
Bone fragility with contractures, arterial rupture, and deafness. Also called: BCARD SYNDROME; BONE ABNORMALITIES, CATARACT, ARTERIAL RUPTURE, AND DEAFNESS; LH3 DEFICIENCY; LYSYL HYDROXYLASE 3 DEFICIENCY. Identifiers: Orphanet 300284, MedGen C2676285, MONDO:0012892, OMIM 612394.

Allele frequency attached by ClinVar (database versions not stated): TOPMed 0.00038.
gnomAD v4.1: 277 of 1,613,680 alleles (0.017%); highest among the groups gnomAD compares: Middle Eastern, 0.067%; no homozygotes.

Submissions (4):

GeneDx
Classification: Uncertain significance. Last evaluated: 2026-09-17. Review status: criteria provided, single submitter. Criteria: GeneDx Variant Classification Process June 2021. Collection method: clinical testing. Allele origin: germline.
Comment: In silico analysis supports that this missense variant has a deleterious effect on protein structure/function; Has not been previously published as pathogenic or benign to our knowledge

Ambry Genetics
Classification: Likely benign for Inborn genetic diseases. Last evaluated: 2024-05-14. Review status: criteria provided, single submitter. Criteria: Ambry Variant Classification Scheme 2023. Collection method: clinical testing. Allele origin: germline.

Labcorp Genetics (formerly Invitae), Labcorp
Classification: Uncertain significance. Last evaluated: 2022-11-01. Review status: criteria provided, single submitter. Criteria: Invitae Variant Classification Sherloc (09022015). Collection method: clinical testing. Allele origin: germline.
Comment: This sequence change replaces proline, which is neutral and non-polar, with histidine, which is basic and polar, at codon 296 of the PLOD3 protein (p.Pro296His). This variant is present in population databases (rs143577626, gnomAD 0.05%). This variant has not been reported in the literature in individuals affected with PLOD3-related conditions. ClinVar contains an entry for this variant (Variation ID: 423098). Algorithms developed to predict the effect of missense changes on protein structure and function (SIFT, PolyPhen-2, Align-GVGD) all suggest that this variant is likely to be disruptive. In summary, the available evidence is currently insufficient to determine the role of this variant in disease. Therefore, it has been classified as a Variant of Uncertain Significance.

Juno Genomics, Hangzhou Juno Genomics, Inc
Classification: Uncertain significance for Bone fragility with contractures, arterial rupture, and deafness. Review status: criteria provided, single submitter. Criteria: ACMG Guidelines, 2015. Collection method: clinical testing. Allele origin: germline.
Comment: Absent from controls (or at extremely low frequency if recessive) in Genome Aggregation Database.;Multiple lines of computational evidence support a deleterious effect on the gene or gene product.

NM_001084.5(PLOD3):c.887C>A (p.Pro296His)

Gene: PLOD3 (procollagen-lysine,2-oxoglutarate 5-dioxygenase 3; minus strand). Cytogenetic location: 7q22.1.
Variant type: single nucleotide variant.
Coding change: c.887C>A on transcript NM_001084.5 (MANE Select); coding-DNA position 887, C replaced by A.
Protein change: p.Pro296His; replaces proline 296 with histidine.
Molecular consequence: missense variant.
Genome position (GRCh38, 1-based): chr7:101,212,648, G>T on the plus strand (C>A on the coding strand, the complement: PLOD3 is on the minus strand). VCF-style: chr7-101212648-G-T. GRCh37 (hg19) VCF-style: chr7-100855929-G-T.
Other names: short protein forms P296H.
Identifiers: ClinVar variation 423098 (VCV000423098.8), dbSNP rs143577626, ClinGen allele CA4407949.